The following is an entry in ClinVar:

NM_017553.3(INO80):c.4429G>A (p.Ala1477Thr)

Gene: INO80 (INO80 complex ATPase subunit; minus strand). Cytogenetic location: 15q15.1.
Variant type: single nucleotide variant.
Coding change: c.4429G>A on transcript NM_017553.3 (MANE Select); coding-DNA position 4429, G replaced by A.
Protein change: p.Ala1477Thr; replaces alanine 1477 with threonine.
Molecular consequence: missense variant. On other transcripts: non-coding transcript variant (1).
Genome position (GRCh38, 1-based): chr15:40,982,886, C>T on the plus strand (G>A on the coding strand, the complement: INO80 is on the minus strand). VCF-style: chr15-40982886-C-T. GRCh37 (hg19) VCF-style: chr15-41275084-C-T.
Other names: short protein forms A1477T.
Identifiers: ClinVar variation 2634316 (VCV002634316.1), dbSNP rs753014093, ClinGen allele CA7488435.

ClinVar aggregate classification (germline): Uncertain significance (1 of 4 stars; one submission).

Conditions:
INO80-related disorder. Also called: INO80-related condition.

Allele frequency attached by ClinVar (database versions not stated): ExAC 0.00001; TOPMed 0.00001; gnomAD 0.00003.
gnomAD v4.1: 22 of 1,613,312 alleles (0.0014%); highest among the groups gnomAD compares: Admixed American, 0.0017%; no homozygotes.

Submission:

PreventionGenetics, part of Exact Sciences
Classification: Uncertain significance for INO80-related condition. Last evaluated: 2023-04-28. Review status: criteria provided, single submitter. Criteria: ACMG Guidelines, 2015. Collection method: clinical testing. Allele origin: germline.
Comment: The INO80 c.4429G>A variant is predicted to result in the amino acid substitution p.Ala1477Thr. To our knowledge, this variant has not been reported in the literature. This variant is reported in 0.0040% of alleles in individuals of European (Finnish) descent in gnomAD. At this time, the clinical significance of this variant is uncertain due to the absence of conclusive functional and genetic evidence.